The following is an entry in ClinVar:

NM_004329.3(BMPR1A):c.789C>A (p.Phe263Leu)

Gene: BMPR1A (bone morphogenetic protein receptor type 1A; plus strand). Cytogenetic location: 10q23.2.
Variant type: single nucleotide variant.
Coding change: c.789C>A on transcript NM_004329.3 (MANE Select); coding-DNA position 789, C replaced by A.
Protein change: p.Phe263Leu; replaces phenylalanine 263 with leucine.
Molecular consequence: missense variant. On other transcripts: non-coding transcript variant (3).
Genome position (GRCh38, 1-based): chr10:86,917,247, C>A. VCF-style: chr10-86917247-C-A. GRCh37 (hg19) VCF-style: chr10-88677004-C-A.
Other names: c.789C>A, p.Phe263Leu (NM_001406578.1, NM_001406579.1, NM_001406580.1 and 19 more transcripts); c.783C>A, p.Phe261Leu (NM_001406583.1); c.705C>A, p.Phe235Leu (NM_001406584.1, NM_001406585.1, NM_001406586.1 and 2 more transcripts); c.864C>A, p.Phe288Leu (NM_001406559.1); c.837C>A, p.Phe279Leu (NM_001406560.1); c.447C>A, p.Phe149Leu (NM_001406589.1); short protein forms F149L, F279L, F263L, F288L, F235L, F261L.
Identifiers: ClinVar variation 5032958 (VCV005032958.1).

ClinVar aggregate classification (germline): Uncertain significance (1 of 4 stars; one submission).

Conditions:
Hereditary cancer-predisposing syndrome. Also called: Neoplastic Syndromes, Hereditary; Tumor predisposition; Hereditary neoplastic syndrome; Hereditary Cancer Syndrome. Identifiers: Orphanet 140162, MedGen C0027672, MeSH D009386, MONDO:0015356.

Submission:

Ambry Genetics
Classification: Uncertain significance for Hereditary cancer-predisposing syndrome. Last evaluated: 2026-07-06. Review status: criteria provided, single submitter. Criteria: Ambry Variant Classification Scheme 2023. Collection method: clinical testing. Allele origin: germline.
Comment: The p.F263L variant (also known as c.789C>A), located in coding exon 7 of the BMPR1A gene, results from a C to A substitution at nucleotide position 789. The phenylalanine at codon 263 is replaced by leucine, an amino acid with highly similar properties. This amino acid position is conserved. In addition, this alteration is predicted to be deleterious by in silico analysis. Based on the available evidence, the clinical significance of this variant remains unclear.